The following is an entry in ClinVar:

ClinVar aggregate classification (germline): Likely benign (0 of 4 stars; one submission).

Conditions:
PLXNA1-related disorder. Also called: PLXNA1-related condition.

Allele frequency attached by ClinVar (database versions not stated): gnomAD 0.00003; TOPMed 0.00003; gnomAD exomes 0.00004; ExAC 0.00007.
gnomAD v4.1: 64 of 1,613,290 alleles (0.004%); highest among the groups gnomAD compares: Non-Finnish European, 0.0051%; no homozygotes.

Submission:

PreventionGenetics, part of Exact Sciences
Classification: Likely benign for PLXNA1-related condition. Last evaluated: 2022-01-18. Review status: no assertion criteria provided. Collection method: clinical testing. Allele origin: germline.
Comment: This variant is classified as likely benign based on ACMG/AMP sequence variant interpretation guidelines (Richards et al. 2015 PMID: 25741868, with internal and published modifications).

NM_032242.4(PLXNA1):c.486C>T (p.Ser162=)

Gene: PLXNA1 (plexin A1; plus strand). Cytogenetic location: 3q21.3.
Variant type: single nucleotide variant.
Coding change: c.486C>T on transcript NM_032242.4 (MANE Select); coding-DNA position 486, C replaced by T.
Protein change: p.Ser162=; no amino-acid change (serine 162 retained).
Molecular consequence: synonymous variant.
Genome position (GRCh38, 1-based): chr3:126,989,079, C>T. VCF-style: chr3-126989079-C-T. GRCh37 (hg19) VCF-style: chr3-126707922-C-T.
Identifiers: ClinVar variation 3056645 (VCV003056645.2), dbSNP rs775237610, ClinGen allele CA2592986.